The following is an entry in ClinVar:

ClinVar aggregate classification (germline): Pathogenic (1 of 4 stars; one submission).

Conditions:
Developmental delay with dysmorphic facies and dental anomalies. Identifiers: MedGen C5543197, MONDO:0030988, OMIM 619228.

Submission:

Greenwood Genetic Center Diagnostic Laboratories, Greenwood Genetic Center
Classification: Pathogenic for Developmental delay with dysmorphic facies and dental anomalies. Last evaluated: 2023-06-02. Review status: criteria provided, single submitter. Criteria: ACMG Guidelines, 2015. Collection method: clinical testing. Allele origin: germline. Affected: yes.
Comment: PVS1, PS2

NM_002971.6(SATB1):c.962del (p.Leu321fs)

Gene: SATB1 (SATB homeobox 1; minus strand). Cytogenetic location: 3p24.3.
Variant type: Deletion.
Coding change: c.962del on transcript NM_002971.6 (MANE Select); coding-DNA position 962, one base deleted (T; older notation c.962delT).
Protein change: p.Leu321fs; shifts the reading frame from leucine 321.
Molecular consequence: frameshift variant.
Genome position (GRCh38, 1-based): chr3:18,394,706, A deleted on the plus strand (T on the coding strand, the reverse complement: SATB1 is on the minus strand). VCF-style (leftmost placement, unchanged base first): chr3-18394705-CA-C. GRCh37 (hg19) VCF-style: chr3-18436197-CA-C.
Other names: c.962del, p.Leu321fs (NM_001131010.4, NM_001195470.3, NM_001322871.2 and 4 more transcripts); c.746del, p.Leu249fs (NM_001322876.2); short protein forms L249fs, L321fs.
Identifiers: ClinVar variation 2572252 (VCV002572252.1), dbSNP rs2470655524, ClinGen allele CA2580614151.